The following is an entry in ClinVar:

NM_001393797.1(ABCC12):c.2715T>G (p.Thr905=)

Gene: ABCC12 (ATP binding cassette subfamily C member 12; minus strand). Cytogenetic location: 16q12.1.
Variant type: single nucleotide variant.
Coding change: c.2715T>G on transcript NM_001393797.1 (MANE Select); coding-DNA position 2715, T replaced by G.
Protein change: p.Thr905=; no amino-acid change (threonine 905 retained).
Molecular consequence: synonymous variant. On other transcripts: non-coding transcript variant (5).
Genome position (GRCh38, 1-based): chr16:48,104,327, A>C on the plus strand (T>G on the coding strand, the complement: ABCC12 is on the minus strand). VCF-style: chr16-48104327-A-C. GRCh37 (hg19) VCF-style: chr16-48138238-A-C.
Other names: c.2715T>G, p.Thr905= (NM_033226.3).
Identifiers: ClinVar variation 4980709 (VCV004980709.1).

ClinVar aggregate classification (germline): Likely benign (1 of 4 stars; one submission).

Conditions:
ABCC12-related condition.

gnomAD v4.1: 85 of 1,614,236 alleles (0.0053%); highest among the groups gnomAD compares: East Asian, 0.18%; no homozygotes.

Submission:

PreventionGenetics, part of Exact Sciences
Classification: Likely benign for ABCC12-related condition. Last evaluated: 2026-06-24. Review status: criteria provided, single submitter. Criteria: ACMG Guidelines, 2015. Collection method: clinical testing. Allele origin: germline.
Comment: This variant is classified as likely benign based on ACMG/AMP sequence variant interpretation guidelines (Richards et al. 2015 PMID: 25741868, with internal and published modifications).